The following is an entry in ClinVar:

ClinVar aggregate classification (germline): Likely benign. Review status: criteria provided, multiple submitters, no conflicts (2 of 4 stars). 9 submissions from 9 submitters: Likely benign (8). 1 of the submissions does not count toward it. Last evaluated 2026-04-10.

Conditions:
Cardiovascular phenotype. Identifiers: MedGen CN230736.
Catecholaminergic polymorphic ventricular tachycardia 1. Also called: RYR2-Related Catecholaminergic Polymorphic Ventricular Tachycardia; VENTRICULAR TACHYCARDIA, STRESS-INDUCED POLYMORPHIC 1; VENTRICULAR TACHYCARDIA, CATECHOLAMINERGIC POLYMORPHIC, 1, WITH OR WITHOUT ATRIAL DYSFUNCTION AND/OR DILATED CARDIOMYOPATHY. Identifiers: Orphanet 3286, MedGen C1631597, MONDO:0011484, OMIM 604772.
TRDN-related disorder. Also called: TRDN-related condition.
Catecholaminergic polymorphic ventricular tachycardia 5 (CARDAR). Also called: Ventricular tachycardia, catecholaminergic polymorphic, 5, with or without muscle weakness; CARDIAC ARRHYTHMIA SYNDROME, WITH OR WITHOUT SKELETAL MUSCLE WEAKNESS. Identifiers: Orphanet 3286, MedGen C3809536, MONDO:0014191, OMIM 615441.

Allele frequency attached by ClinVar (database versions not stated): gnomAD exomes 0.00022 and 0.00059; ExAC 0.00060; 1000 Genomes Project 0.00080; 1000 Genomes Project 30x 0.00125; ESP Exome Variant Server 0.00229; gnomAD 0.00273 and 0.00305; TOPMed 0.00303.
gnomAD v4.1: 774 of 1,609,974 alleles (0.048%); highest among the groups gnomAD compares: African/African-American, 0.88%; 2 homozygotes.

Submissions (10):

Women's Health and Genetics/Laboratory Corporation of America, LabCorp
Classification: Likely benign. Last evaluated: 2026-04-10. Review status: criteria provided, single submitter. Criteria: LabCorp Variant Classification Summary - May 2015. Collection method: clinical testing. Allele origin: germline.
Comment: Variant summary: TRDN c.1510G>A (p.Gly504Ser) results in a non-conservative amino acid change in the encoded protein sequence. Algorithms developed to predict the effect of missense changes on protein structure and function are either unavailable or do not agree on the potential impact of this missense change. Consensus agreement among computation tools predict no significant impact on normal splicing. However, these predictions have yet to be confirmed by functional studies. The variant allele was found at a frequency of 0.00059 in 247396 control chromosomes, predominantly at a frequency of 0.0083 within the African or African-American subpopulation in the gnomAD database. The observed variant frequency within African or African-American control individuals in the gnomAD database exceeds the estimated maximal expected allele frequency for disease-causing variants in TRDN. To our knowledge, no occurrence of c.1510G>A in individuals affected with TRDN-related conditions and no experimental evidence demonstrating its impact on protein function have been reported. ClinVar contains an entry for this variant (Variation ID: 415181). Based on the evidence outlined above, the variant was classified as likely benign.

Labcorp Genetics (formerly Invitae), Labcorp
Classification: Likely benign for Catecholaminergic polymorphic ventricular tachycardia 1. Last evaluated: 2026-02-03. Review status: criteria provided, single submitter. Criteria: Invitae Variant Classification Sherloc (09022015). Collection method: clinical testing. Allele origin: germline.

Mayo Clinic Laboratories, Mayo Clinic
Classification: Likely benign. Last evaluated: 2025-06-17. Review status: criteria provided, single submitter. Criteria: ACMG Guidelines, 2015. Collection method: clinical testing. Allele origin: germline. Observed: 2 variant alleles.
Comment: BA1, BS2_supporting, PP3

ARUP Laboratories, Molecular Genetics and Genomics, ARUP Laboratories
Classification: Likely benign for Catecholaminergic polymorphic ventricular tachycardia 5. Last evaluated: 2025-05-20. Review status: criteria provided, single submitter. Criteria: ARUP Molecular Germline Variant Investigation Process 2024. Collection method: clinical testing. Allele origin: germline.

Molecular Diagnostic Laboratory for Inherited Cardiovascular Disease, Montreal Heart Institute
Classification: Likely benign. Last evaluated: 2025-04-09. Review status: criteria provided, single submitter. Criteria: ACMG Guidelines, 2015. Collection method: clinical testing. Allele origin: germline. Affected: no.

GeneDx
Classification: Likely benign. Last evaluated: 2021-03-05. Review status: criteria provided, single submitter. Criteria: GeneDx Variant Classification Process June 2021. Collection method: clinical testing. Allele origin: germline. Affected: yes.

Ambry Genetics
Classification: Likely benign for Cardiovascular phenotype. Last evaluated: 2018-12-03. Review status: criteria provided, single submitter. Criteria: Ambry Variant Classification Scheme 2023. Collection method: clinical testing. Allele origin: germline.

Breakthrough Genomics
Classification: Likely benign. Review status: criteria provided, single submitter. Criteria: ACMG Guidelines, 2015. Collection method: not provided. Allele origin: germline. Inheritance: Autosomal recessive inheritance. Affected: yes.

PreventionGenetics, part of Exact Sciences
Classification: Likely benign for TRDN-related condition. Last evaluated: 2019-06-06. Review status: no assertion criteria provided. Collection method: clinical testing. Allele origin: germline. Not counted in ClinVar's aggregate classification.
Comment: This variant is classified as likely benign based on ACMG/AMP sequence variant interpretation guidelines (Richards et al. 2015 PMID: 25741868, with internal and published modifications).

Dr. Peter K. Rogan Lab, Western University
No classification provided (evidence only). Condition: Familial cancer of breast. Review status: no classification provided. Collection method: in vitro. Allele origin: not applicable. Functional consequence: retained intron. Not counted in ClinVar's aggregate classification.

NM_006073.4(TRDN):c.1510G>A (p.Gly504Ser)

Gene: TRDN (triadin; minus strand). Cytogenetic location: 6q22.31.
Variant type: single nucleotide variant.
Coding change: c.1510G>A on transcript NM_006073.4 (MANE Select); coding-DNA position 1510, G replaced by A.
Protein change: p.Gly504Ser; replaces glycine 504 with serine.
Molecular consequence: missense variant.
Genome position (GRCh38, 1-based): chr6:123,316,457, C>T on the plus strand (G>A on the coding strand, the complement: TRDN is on the minus strand). VCF-style: chr6-123316457-C-T. GRCh37 (hg19) VCF-style: chr6-123637602-C-T.
Other names: p.Gly504Ser; short protein forms G504S.
Identifiers: ClinVar variation 415181 (VCV000415181.27), dbSNP rs150531306, ClinGen allele CA3983924.